The following is an entry in ClinVar:

ClinVar aggregate classification (germline): Likely benign. Review status: criteria provided, multiple submitters, no conflicts (2 of 4 stars). 8 submissions from 6 submitters: Likely benign (8). Last evaluated 2025-10-22.

Conditions:
Idiopathic Pulmonary Fibrosis. Also called: Idiopathic fibrosing alveolitis, chronic form; idiopathic fibrosing alveolitis. Identifiers: Orphanet 2032, MedGen C1800706, MeSH D054990, MONDO:0800504.
Dyskeratosis congenita, autosomal dominant 2. Identifiers: MedGen C3151443, MONDO:0013521, OMIM 613989.
Pulmonary fibrosis and/or bone marrow failure, Telomere-related, 1. Also called: PULMONARY FIBROSIS AND/OR BONE MARROW FAILURE SYNDROME, TELOMERE-RELATED, 1. Identifiers: Orphanet 88, MedGen C3553617, MONDO:0013878, OMIM 614742.
Dyskeratosis congenita. Identifiers: Orphanet 1775, MedGen C0265965, MONDO:0015780.
Aplastic anemia. Identifiers: Orphanet 182040, Orphanet 88, MedGen C0002874, MONDO:0015909, OMIM 609135, HP:0001915.

Allele frequency attached by ClinVar (database versions not stated): gnomAD 0.00004 and 0.00007; gnomAD exomes 0.00008; TOPMed 0.00008; ExAC 0.00010; 1000 Genomes Project 30x 0.00016; 1000 Genomes Project 0.00020.
gnomAD v4.1: 120 of 1,614,156 alleles (0.0074%); highest among the groups gnomAD compares: East Asian, 0.24%; 1 homozygote.

Submissions (8):

Labcorp Genetics (formerly Invitae), Labcorp
Classification: Likely benign for Dyskeratosis congenita, autosomal dominant 2; Idiopathic Pulmonary Fibrosis. Last evaluated: 2025-10-22. Review status: criteria provided, single submitter. Criteria: Invitae Variant Classification Sherloc (09022015). Collection method: clinical testing. Allele origin: germline.

Blueprint Genetics
Classification: Likely benign. Last evaluated: 2024-08-30. Review status: criteria provided, single submitter. Criteria: ACMG Guidelines, 2015. Collection method: clinical testing. Allele origin: germline.

Ambry Genetics
Classification: Likely benign for Dyskeratosis congenita. Last evaluated: 2022-05-01. Review status: criteria provided, single submitter. Criteria: Ambry Variant Classification Scheme 2023. Collection method: clinical testing. Allele origin: germline.

Genetic Services Laboratory, University of Chicago
Classification: Likely benign. Last evaluated: 2019-04-15. Review status: criteria provided, single submitter. Criteria: ACMG Guidelines, 2015. Collection method: clinical testing. Allele origin: germline. Affected: no.

Illumina Laboratory Services, Illumina
Classification: Likely benign for Dyskeratosis congenita, autosomal dominant 2. Last evaluated: 2017-04-27. Review status: criteria provided, single submitter. Criteria: ICSL Variant Classification Criteria 13 December 2019. Collection method: clinical testing. Allele origin: germline.
Comment: This variant was observed as part of a predisposition screen in an ostensibly healthy population. A literature search was performed for the gene, cDNA change, and amino acid change (where applicable). No publications were found based on this search. Allele frequency data from public databases allowed determination this variant is unlikely to cause disease. Therefore, this variant is classified as likely benign.

Illumina Laboratory Services, Illumina
Classification: Likely benign for Pulmonary fibrosis and/or bone marrow failure, Telomere-related, 1. Last evaluated: 2017-04-27. Review status: criteria provided, single submitter. Criteria: ICSL Variant Classification Criteria 13 December 2019. Collection method: clinical testing. Allele origin: germline.
Comment: the same text as in the submission from Illumina Laboratory Services, Illumina above.

Illumina Laboratory Services, Illumina
Classification: Likely benign for Aplastic anemia. Last evaluated: 2017-04-27. Review status: criteria provided, single submitter. Criteria: ICSL Variant Classification Criteria 13 December 2019. Collection method: clinical testing. Allele origin: germline.
Comment: This variant was observed as part of a predisposition screen in an ostensibly healthy population. A literature search was performed for the gene, cDNA change, and amino acid change (where applicable). Publications were found based on this search. The evidence from the literature, in combination with allele frequency data from public databases where available, was sufficient to determine this variant is unlikely to cause disease. Therefore, this variant is classified as likely benign.

PreventionGenetics, part of Exact Sciences
Classification: Likely benign. Review status: criteria provided, single submitter. Criteria: ACMG Guidelines, 2015. Collection method: clinical testing. Allele origin: germline.

Literature cited by the submitters: PubMed 16627250 (cited by Illumina Laboratory Services, Illumina).

NM_198253.3(TERT):c.2946T>C (p.Cys982=)

Gene: TERT (telomerase reverse transcriptase; minus strand). Cytogenetic location: 5p15.33.
Variant type: single nucleotide variant.
Coding change: c.2946T>C on transcript NM_198253.3 (MANE Select); coding-DNA position 2946, T replaced by C.
Protein change: p.Cys982=; no amino-acid change (cysteine 982 retained).
Molecular consequence: synonymous variant. On other transcripts: non-coding transcript variant (2).
Genome position (GRCh38, 1-based): chr5:1,260,498, A>G on the plus strand (T>C on the coding strand, the complement: TERT is on the minus strand). VCF-style: chr5-1260498-A-G. GRCh37 (hg19) VCF-style: chr5-1260613-A-G.
Other names: c.2757T>C, p.Cys919= (NM_001193376.3).
Identifiers: ClinVar variation 242233 (VCV000242233.23), dbSNP rs201689770, ClinGen allele CA3184343.